The following is an entry in ClinVar:

NM_001282225.2(ADA2):c.784G>A (p.Glu262Lys)

Gene: ADA2 (adenosine deaminase 2; minus strand). Cytogenetic location: 22q11.1.
Variant type: single nucleotide variant.
Coding change: c.784G>A on transcript NM_001282225.2 (MANE Select); coding-DNA position 784, G replaced by A.
Protein change: p.Glu262Lys; replaces glutamic acid 262 with lysine.
Molecular consequence: missense variant.
Genome position (GRCh38, 1-based): chr22:17,191,780, C>T on the plus strand (G>A on the coding strand, the complement: ADA2 is on the minus strand). VCF-style: chr22-17191780-C-T. GRCh37 (hg19) VCF-style: chr22-17672670-C-T.
Other names: p.Glu262Lys; c.784G>A, p.Glu262Lys (NM_001282226.2); c.658G>A, p.Glu220Lys (NM_001282227.2, NM_001282228.2); c.424G>A, p.Glu142Lys (NM_001282229.2); c.61G>A, p.Glu21Lys (NM_177405.3); short protein forms E142K, E21K, E262K, E220K.
Identifiers: ClinVar variation 648652 (VCV000648652.9), dbSNP rs551968547, ClinGen allele CA10088087.

ClinVar aggregate classification (germline): Uncertain significance. Review status: criteria provided, multiple submitters, no conflicts (2 of 4 stars). 2 submissions from 2 submitters: Uncertain significance (2). Last evaluated 2025-11-14.

Conditions:
Deficiency of adenosine deaminase 2. Also called: Polyarteritis nodosa, childhoood-onset; Adenosine Deaminase 2 Deficiency; VASCULITIS, AUTOINFLAMMATION, IMMUNODEFICIENCY, AND HEMATOLOGIC DEFECTS SYNDROME. Identifiers: Orphanet 404553, MedGen C3887654, MONDO:0014306, OMIM 615688, MONDO:0100317.

Allele frequency attached by ClinVar (database versions not stated): gnomAD exomes below 0.00001; TOPMed below 0.00001; ExAC 0.00001; gnomAD 0.00001; 1000 Genomes Project 30x 0.00016; 1000 Genomes Project 0.00020.
gnomAD v4.1: 9 of 1,613,662 alleles (0.00056%); highest among the groups gnomAD compares: Admixed American, 0.0017%; no homozygotes.

Submissions (2):

Mayo Clinic Laboratories, Mayo Clinic
Classification: Uncertain significance. Last evaluated: 2025-11-14. Review status: criteria provided, single submitter. Criteria: ACMG Guidelines, 2015. Collection method: clinical testing. Allele origin: germline. Observed: 1 variant allele.
Comment: BP4_moderate, PM2_supporting

Labcorp Genetics (formerly Invitae), Labcorp
Classification: Uncertain significance for Deficiency of adenosine deaminase 2. Last evaluated: 2022-07-12. Review status: criteria provided, single submitter. Criteria: Invitae Variant Classification Sherloc (09022015). Collection method: clinical testing. Allele origin: germline.
Comment: This sequence change replaces glutamic acid, which is acidic and polar, with lysine, which is basic and polar, at codon 262 of the ADA2 protein (p.Glu262Lys). This variant is present in population databases (rs551968547, gnomAD 0.007%). This variant has not been reported in the literature in individuals affected with ADA2-related conditions. ClinVar contains an entry for this variant (Variation ID: 648652). Algorithms developed to predict the effect of missense changes on protein structure and function output the following: SIFT: "Tolerated"; PolyPhen-2: "Benign"; Align-GVGD: "Class C0". The lysine amino acid residue is found in multiple mammalian species, which suggests that this missense change does not adversely affect protein function. In summary, the available evidence is currently insufficient to determine the role of this variant in disease. Therefore, it has been classified as a Variant of Uncertain Significance.